The following is an entry in ClinVar:

ClinVar aggregate classification (germline): Uncertain significance. Review status: criteria provided, multiple submitters, no conflicts (2 of 4 stars). 3 submissions from 3 submitters: Uncertain significance (3). Last evaluated 2025-12-14.

Conditions:
Hereditary cancer-predisposing syndrome. Also called: Tumor predisposition; Hereditary Cancer Syndrome; Neoplastic Syndromes, Hereditary; Hereditary neoplastic syndrome. Identifiers: Orphanet 140162, MedGen C0027672, MeSH D009386, MONDO:0015356.
Tuberous sclerosis 2 (TSC2). Identifiers: Orphanet 805, MedGen C1860707, MONDO:0013199, OMIM 613254.

Submissions (3):

Ambry Genetics
Classification: Uncertain significance for Hereditary cancer-predisposing syndrome. Last evaluated: 2025-12-14. Review status: criteria provided, single submitter. Criteria: Ambry Variant Classification Scheme 2023. Collection method: clinical testing. Allele origin: germline.
Comment: The p.R1471G variant (also known as c.4411A>G), located in coding exon 33 of the TSC2 gene, results from an A to G substitution at nucleotide position 4411. The arginine at codon 1471 is replaced by glycine, an amino acid with dissimilar properties. This amino acid position is conserved. In addition, this alteration is predicted to be deleterious by in silico analysis. Based on the available evidence, the clinical significance of this variant remains unclear.

Labcorp Genetics (formerly Invitae), Labcorp
Classification: Uncertain significance for Tuberous sclerosis 2. Last evaluated: 2025-07-27. Review status: criteria provided, single submitter. Criteria: Invitae Variant Classification Sherloc (09022015). Collection method: clinical testing. Allele origin: germline.
Comment: This sequence change replaces arginine, which is basic and polar, with glycine, which is neutral and non-polar, at codon 1471 of the TSC2 protein (p.Arg1471Gly). This variant is not present in population databases (gnomAD no frequency). This variant has not been reported in the literature in individuals affected with TSC2-related conditions. Invitae Evidence Modeling of protein sequence and biophysical properties (such as structural, functional, and spatial information, amino acid conservation, physicochemical variation, residue mobility, and thermodynamic stability) indicates that this missense variant is not expected to disrupt TSC2 protein function with a negative predictive value of 95%. In summary, the available evidence is currently insufficient to determine the role of this variant in disease. Therefore, it has been classified as a Variant of Uncertain Significance.

GeneDx
Classification: Uncertain significance. Last evaluated: 2025-06-26. Review status: criteria provided, single submitter. Criteria: GeneDx Variant Classification Process June 2021. Collection method: clinical testing. Allele origin: germline. Affected: yes.
Comment: Not observed at significant frequency in large population cohorts (gnomAD); In silico analysis supports that this missense variant has a deleterious effect on protein structure/function; Has not been previously published as pathogenic or benign to our knowledge

NM_000548.5(TSC2):c.4411A>G (p.Arg1471Gly)

Gene: TSC2 (TSC complex subunit 2; plus strand). Cytogenetic location: 16p13.3.
Variant type: single nucleotide variant.
Coding change: c.4411A>G on transcript NM_000548.5 (MANE Select); coding-DNA position 4411, A replaced by G.
Protein change: p.Arg1471Gly; replaces arginine 1471 with glycine.
Molecular consequence: missense variant. On other transcripts: non-coding transcript variant (5).
Genome position (GRCh38, 1-based): chr16:2,084,633, A>G. VCF-style: chr16-2084633-A-G. GRCh37 (hg19) VCF-style: chr16-2134634-A-G.
Other names: c.4063A>G, p.Arg1355Gly (NM_001406679.1); c.3811A>G, p.Arg1271Gly (NM_001406680.1); c.3751A>G, p.Arg1251Gly (NM_001406681.1); c.3742A>G, p.Arg1248Gly (NM_001406682.1, NM_001406683.1); c.3739A>G, p.Arg1247Gly (NM_001406684.1); c.3613A>G, p.Arg1205Gly (NM_001406685.1, NM_001406686.1); c.3610A>G, p.Arg1204Gly (NM_001406687.1, NM_001406688.1); c.2998A>G, p.Arg1000Gly (NM_001406689.1); and 26 more; short protein forms R1000G, R1204G, R1205G, R1227G, R1247G, R1248G, R1251G, R1271G.
Identifiers: ClinVar variation 4540339 (VCV004540339.3).